The following is an entry in ClinVar:

NM_000038.6(APC):c.1217T>A (p.Val406Asp)

Gene: APC (APC regulator of Wnt signaling pathway; plus strand). Cytogenetic location: 5q22.2.
Variant type: single nucleotide variant.
Coding change: c.1217T>A on transcript NM_000038.6 (MANE Select); coding-DNA position 1217, T replaced by A.
Protein change: p.Val406Asp; replaces valine 406 with aspartic acid.
Molecular consequence: missense variant. On other transcripts: intron variant (15), non-coding transcript variant (2).
Genome position (GRCh38, 1-based): chr5:112,819,249, T>A. VCF-style: chr5-112819249-T-A. GRCh37 (hg19) VCF-style: chr5-112154946-T-A.
Other names: c.1163T>A, p.Val388Asp (NM_001127511.3); c.1217T>A, p.Val406Asp (NM_001354895.2, NM_001354896.2, NM_001127510.3 and 4 more transcripts); c.1247T>A, p.Val416Asp (NM_001354897.2, NM_001407446.1); c.1133T>A, p.Val378Asp (NM_001354899.2, NM_001407452.1); c.1040T>A, p.Val347Asp (NM_001354900.2, NM_001354901.2, NM_001407453.1); c.1142T>A, p.Val381Asp (NM_001354898.2, NM_001407451.1); c.368T>A, p.Val123Asp (NM_001354906.2, NM_001407470.1); c.934-20T>A (NM_001407460.1, NM_001407457.1, NM_001407458.1 and 5 more transcripts); and 5 more; short protein forms V416D, V123D, V347D, V378D, V381D, V388D, V406D.
Identifiers: ClinVar variation 3304880 (VCV003304880.1).

ClinVar aggregate classification (germline): Uncertain significance (1 of 4 stars; one submission).

Conditions:
Hereditary cancer-predisposing syndrome. Also called: Tumor predisposition; Hereditary Cancer Syndrome; Hereditary neoplastic syndrome; Neoplastic Syndromes, Hereditary. Identifiers: Orphanet 140162, MedGen C0027672, MeSH D009386, MONDO:0015356.

Submission:

Ambry Genetics
Classification: Uncertain significance for Hereditary cancer-predisposing syndrome. Last evaluated: 2024-04-19. Review status: criteria provided, single submitter. Criteria: Ambry Variant Classification Scheme 2023. Collection method: clinical testing. Allele origin: germline.
Comment: The p.V406D variant (also known as c.1217T>A), located in coding exon 9 of the APC gene, results from a T to A substitution at nucleotide position 1217. The valine at codon 406 is replaced by aspartic acid, an amino acid with highly dissimilar properties. This amino acid position is conserved. In addition, in silico predictors for this gene do not accurately predict pathogenicity. Based on the available evidence, the clinical significance of this variant remains unclear.